The following is an entry in ClinVar:

ClinVar aggregate classification (germline): Conflicting classifications of pathogenicity. Review status: criteria provided, conflicting classifications (1 of 4 stars). 10 submissions from 10 submitters: Uncertain significance (2); Benign (2); Likely benign (5). 1 of the submissions does not count toward it. Last evaluated 2026-09-01.

Conditions:
Connective tissue disorder. Also called: Connective tissue disease. Identifiers: MedGen C0009782, MONDO:0003900.
Classic homocystinuria. Also called: Homocystinuria due to CBS deficiency; Cystathionine beta-synthase deficiency; CBS deficiency; Homocystinuria due to Cystathionine Beta-Synthase Deficiency; HOMOCYSTINURIA WITH OR WITHOUT RESPONSE TO PYRIDOXINE. Identifiers: Orphanet 394, MedGen C0751202, MONDO:0009352, OMIM 236200.
Familial thoracic aortic aneurysm and aortic dissection (TAAD). Also called: Thoracic aortic aneurysms and dissections. Identifiers: Orphanet 91387, MedGen C4707243, MONDO:0019625.
HYPERHOMOCYSTEINEMIA, THROMBOTIC, CBS-RELATED. Identifiers: MedGen C3150344, OMIM 236200.

Allele frequency attached by ClinVar (database versions not stated): gnomAD exomes 0.00028 and 0.00062; ExAC 0.00061; gnomAD 0.00162; ESP Exome Variant Server 0.00169; 1000 Genomes Project 0.00220.

Submissions (10):

CeGaT Center for Human Genetics Tuebingen
Classification: Likely benign. Last evaluated: 2026-09-01. Review status: criteria provided, single submitter. Criteria: CeGaT Center For Human Genetics Tuebingen Variant Classification Criteria Version 2. Collection method: clinical testing. Allele origin: germline. Affected: yes. Observed: 2 variant alleles.
Comment: CBS: BP4, BP7

Labcorp Genetics (formerly Invitae), Labcorp
Classification: Benign for HYPERHOMOCYSTEINEMIA, THROMBOTIC, CBS-RELATED. Last evaluated: 2026-02-02. Review status: criteria provided, single submitter. Criteria: Invitae Variant Classification Sherloc (09022015). Collection method: clinical testing. Allele origin: germline.

Blueprint Genetics
Classification: Likely benign. Last evaluated: 2024-10-03. Review status: criteria provided, single submitter. Criteria: ACMG Guidelines, 2015. Collection method: clinical testing. Allele origin: germline.

Women's Health and Genetics/Laboratory Corporation of America, LabCorp
Classification: Likely benign. Last evaluated: 2022-08-04. Review status: criteria provided, single submitter. Criteria: LabCorp Variant Classification Summary - May 2015. Collection method: clinical testing. Allele origin: germline.

Genome Diagnostics Laboratory, The Hospital for Sick Children
Classification: Uncertain significance for Connective tissue disorder. Last evaluated: 2020-02-01. Review status: criteria provided, single submitter. Criteria: ACMG Guidelines, 2015. Collection method: clinical testing. Allele origin: germline.

ARUP Laboratories, Molecular Genetics and Genomics, ARUP Laboratories
Classification: Likely benign. Last evaluated: 2020-01-05. Review status: criteria provided, single submitter. Criteria: ARUP Molecular Germline Variant Investigation Process. Collection method: clinical testing. Allele origin: germline.

Ambry Genetics
Classification: Likely benign for Familial thoracic aortic aneurysm and aortic dissection. Last evaluated: 2017-08-31. Review status: criteria provided, single submitter. Criteria: Ambry Variant Classification Scheme 2023. Collection method: clinical testing. Allele origin: germline.

Illumina Laboratory Services, Illumina
Classification: Uncertain significance for Classic homocystinuria. Last evaluated: 2017-04-27. Review status: criteria provided, single submitter. Criteria: ICSL Variant Classification Criteria 13 December 2019. Collection method: clinical testing. Allele origin: germline.
Comment: This variant was observed as part of a predisposition screen in an ostensibly healthy population. A literature search was performed for the gene, cDNA change, and amino acid change (where applicable). Publications were found based on this search. However, the evidence from the literature, in combination with allele frequency data from public databases where available, was not sufficient to rule this variant in or out of causing disease. Therefore, this variant is classified as a variant of unknown significance.

GeneDx
Classification: Benign. Last evaluated: 2014-12-05. Review status: criteria provided, single submitter. Criteria: GeneDx Variant Classification (06012015). Collection method: clinical testing. Allele origin: germline. Affected: yes.
Comment: This variant is considered likely benign or benign based on one or more of the following criteria: it is a conservative change, it occurs at a poorly conserved position in the protein, it is predicted to be benign by multiple in silico algorithms, and/or has population frequency not consistent with disease.

Natera, Inc.
Classification: Likely benign for Homocystinuria due to cystathionine beta-synthase deficiency. Last evaluated: 2019-12-16. Review status: no assertion criteria provided. Collection method: clinical testing. Allele origin: germline. Not counted in ClinVar's aggregate classification.

Literature cited by the submitters: PubMed 12686134 (cited by Illumina Laboratory Services, Illumina); PubMed 21626167 (cited by Illumina Laboratory Services, Illumina); PubMed 14635102 (cited by Illumina Laboratory Services, Illumina).

NM_000071.3(CBS):c.1059G>A (p.Thr353=)

Gene: CBS (cystathionine beta-synthase; minus strand). Cytogenetic location: 21q22.3.
Variant type: single nucleotide variant.
Coding change: c.1059G>A on transcript NM_000071.3 (MANE Select); coding-DNA position 1059, G replaced by A.
Protein change: p.Thr353=; no amino-acid change (threonine 353 retained).
Molecular consequence: synonymous variant.
Genome position (GRCh38, 1-based): chr21:43,060,527, C>T on the plus strand (G>A on the coding strand, the complement: CBS is on the minus strand). VCF-style: chr21-43060527-C-T. GRCh37 (hg19) VCF-style: chr21-44480637-C-T.
Other names: p.T353T:ACG>ACA; c.1059G>A, p.Thr353= (NM_001178008.3, NM_001178009.3, NM_001320298.2); c.744G>A, p.Thr248= (NM_001321072.1).
Identifiers: ClinVar variation 212827 (VCV000212827.44), dbSNP rs61735859, ClinGen allele CA322372.